The following is an entry in ClinVar:

ClinVar aggregate classification (germline): Uncertain significance. Review status: criteria provided, multiple submitters, no conflicts (2 of 4 stars). 2 submissions from 2 submitters: Uncertain significance (2). Last evaluated 2025-08-13.

Conditions:
Hereditary cancer-predisposing syndrome. Also called: Neoplastic Syndromes, Hereditary; Hereditary Cancer Syndrome; Tumor predisposition; Hereditary neoplastic syndrome. Identifiers: Orphanet 140162, MedGen C0027672, MeSH D009386, MONDO:0015356.
Ataxia-telangiectasia syndrome (AT). Also called: LOUIS-BAR SYNDROME; Cerebello-oculocutaneous telangiectasia; Immunodeficiency with ataxia telangiectasia; Ataxia-telangiectasia, complementation group D; AT, COMPLEMENTATION GROUP C; Ataxia-telangiectasia, complementation group E. Identifiers: Orphanet 100, MedGen C0004135, MONDO:0008840, OMIM 208900.

gnomAD v4.1: 1 of 1,608,860 alleles (0.000062%); no homozygotes.

Submissions (2):

Labcorp Genetics (formerly Invitae), Labcorp
Classification: Uncertain significance for Ataxia-telangiectasia syndrome. Last evaluated: 2025-08-13. Review status: criteria provided, single submitter. Criteria: Invitae Variant Classification Sherloc (09022015). Collection method: clinical testing. Allele origin: germline.
Comment: This sequence change replaces glutamine, which is neutral and polar, with glutamic acid, which is acidic and polar, at codon 2809 of the ATM protein (p.Gln2809Glu). This variant is not present in population databases (gnomAD no frequency). This variant has not been reported in the literature in individuals affected with ATM-related conditions. ClinVar contains an entry for this variant (Variation ID: 453731). Invitae Evidence Modeling of protein sequence and biophysical properties (such as structural, functional, and spatial information, amino acid conservation, physicochemical variation, residue mobility, and thermodynamic stability) indicates that this missense variant is not expected to disrupt ATM protein function with a negative predictive value of 95%. In summary, the available evidence is currently insufficient to determine the role of this variant in disease. Therefore, it has been classified as a Variant of Uncertain Significance.

Ambry Genetics
Classification: Uncertain significance for Hereditary cancer-predisposing syndrome. Last evaluated: 2024-02-07. Review status: criteria provided, single submitter. Criteria: Ambry Variant Classification Scheme 2023. Collection method: clinical testing. Allele origin: germline.
Comment: The p.Q2809E variant (also known as c.8425C>G), located in coding exon 57 of the ATM gene, results from a C to G substitution at nucleotide position 8425. The glutamine at codon 2809 is replaced by glutamic acid, an amino acid with highly similar properties. This amino acid position is highly conserved in available vertebrate species. In addition, this alteration is predicted to be tolerated by in silico analysis. Based on the available evidence, the clinical significance of this alteration remains unclear.

NM_000051.4(ATM):c.8425C>G (p.Gln2809Glu)

Genes: ATM (ATM serine/threonine kinase; plus strand), C11orf65 (chromosome 11 open reading frame 65; minus strand). Cytogenetic location: 11q22.3.
Variant type: single nucleotide variant.
Coding change: c.8425C>G on transcript NM_000051.4 (MANE Select); coding-DNA position 8425, C replaced by G.
Protein change: p.Gln2809Glu; replaces glutamine 2809 with glutamic acid.
Molecular consequence: missense variant. On other transcripts: intron variant (2).
Genome position (GRCh38, 1-based): chr11:108,345,749, C>G. VCF-style: chr11-108345749-C-G. GRCh37 (hg19) VCF-style: chr11-108216476-C-G.
Other names: c.8425C>G, p.Gln2809Glu (NM_001351834.2); c.641-36678G>C (NM_001330368.2); c.695-10457G>C (NM_001351110.2); short protein forms Q2809E.
Identifiers: ClinVar variation 453731 (VCV000453731.11), dbSNP rs1555137973, ClinGen allele CA382517733.